The following is an entry in ClinVar:

NM_030665.4(RAI1):c.2292G>C (p.Glu764Asp)

Gene: RAI1 (retinoic acid induced 1; plus strand). Cytogenetic location: 17p11.2.
Variant type: single nucleotide variant.
Coding change: c.2292G>C on transcript NM_030665.4 (MANE Select); coding-DNA position 2292, G replaced by C.
Protein change: p.Glu764Asp; replaces glutamic acid 764 with aspartic acid.
Molecular consequence: missense variant.
Genome position (GRCh38, 1-based): chr17:17,795,240, G>C. VCF-style: chr17-17795240-G-C. GRCh37 (hg19) VCF-style: chr17-17698554-G-C.
Other names: short protein forms E764D.
Identifiers: ClinVar variation 4985822 (VCV004985822.1).

ClinVar aggregate classification (germline): Uncertain significance (1 of 4 stars; one submission).

Conditions:
RAI1-related disorder. Also called: RAI1-related condition.

Submission:

PreventionGenetics, part of Exact Sciences
Classification: Uncertain significance for RAI1-related condition. Last evaluated: 2026-09-02. Review status: criteria provided, single submitter. Criteria: ACMG Guidelines, 2015. Collection method: clinical testing. Allele origin: germline.
Comment: The RAI1 c.2292G>C variant is predicted to result in the amino acid substitution p.Glu764Asp. To our knowledge, this variant has not been reported in the literature or in a large population database (gnomAD), indicating this variant is rare. At this time, the clinical significance of this variant is uncertain due to the absence of conclusive functional and genetic evidence.